The following is an entry in ClinVar:

NM_003482.4(KMT2D):c.12466del (p.Gln4156fs)

Gene: KMT2D (lysine methyltransferase 2D; minus strand). Cytogenetic location: 12q13.12.
Variant type: Deletion.
Coding change: c.12466del on transcript NM_003482.4 (MANE Select); coding-DNA position 12466, one base deleted (C; older notation c.12466delC).
Protein change: p.Gln4156fs; shifts the reading frame from glutamine 4156.
Molecular consequence: frameshift variant.
Genome position (GRCh38, 1-based): chr12:49,032,239, G deleted on the plus strand (C on the coding strand, the reverse complement: KMT2D is on the minus strand); the first of 5 consecutive G bases (chr12:49,032,239-49,032,243); deleting any one gives the same sequence. VCF-style (leftmost placement, unchanged base first): chr12-49032238-TG-T. GRCh37 (hg19) VCF-style: chr12-49426021-TG-T.
Other names: c.12466delC (NM_003482.3); short protein forms Q4156fs.
Identifiers: ClinVar variation 2273854 (VCV002273854.2), dbSNP rs2498356859, ClinGen allele CA2580085609.

ClinVar aggregate classification (germline): Pathogenic (1 of 4 stars; one submission).

Conditions:
Inborn genetic diseases. Identifiers: MedGen C0950123, MeSH D030342.

Submission:

Ambry Genetics
Classification: Pathogenic for Inborn genetic diseases. Last evaluated: 2022-05-10. Review status: criteria provided, single submitter. Criteria: Ambry Variant Classification Scheme 2023. Collection method: clinical testing. Allele origin: germline.
Comment: The c.12466delC (p.Q4156Nfs*5) alteration, located in exon 39 (coding exon 39) of the KMT2D gene, consists of a deletion of one nucleotide at position 12466, causing a translational frameshift with a predicted alternate stop codon after 5 amino acids. This alteration is expected to result in loss of function by premature protein truncation or nonsense-mediated mRNA decay. Although loss of function alterations in KMT2D have been associated with KMT2D-related Kabuki syndrome, haploinsufficiency for KMT2D has not been established as a mechanism of disease for KMT2D-related multiple congenital anomalies disorder. Based on the available evidence, the KMT2D c.12466delC (p.Q4156Nfs*5) alteration is classified as pathogenic for KMT2D-related Kabuki syndrome; however, its clinical significance for KMT2D-related multiple congenital anomalies disorder is unclear. This variant was not reported in population-based cohorts in the Genome Aggregation Database (gnomAD). Based on the available evidence, this alteration is classified as pathogenic.